The following is an entry in ClinVar:

NM_001379403.1(WDR26):c.1881dup (p.Pro628fs)

Gene: WDR26 (WD repeat domain 26; minus strand). Cytogenetic location: 1q42.11.
Variant type: Duplication.
Coding change: c.1881dup on transcript NM_001379403.1 (MANE Select); coding-DNA position 1881, one base duplicated (T; older notation c.1881dupT).
Protein change: p.Pro628fs; shifts the reading frame from proline 628.
Molecular consequence: frameshift variant.
Genome position (GRCh38, 1-based): chr1:224,398,578, A duplicated on the plus strand (T on the coding strand, the reverse complement: WDR26 is on the minus strand). VCF-style (leftmost placement, unchanged base first): chr1-224398577-G-GA. GRCh37 (hg19) VCF-style: chr1-224586279-G-GA.
Other names: c.1533dup, p.Pro512fs (NM_001115113.3); c.1581dup, p.Pro528fs (NM_025160.7); short protein forms P512fs, P528fs, P628fs.
Identifiers: ClinVar variation 2431384 (VCV002431384.1), dbSNP rs2464681125, ClinGen allele CA2580062231.

ClinVar aggregate classification (germline): Likely pathogenic (1 of 4 stars; one submission).

Conditions:
Skraban-Deardorff syndrome. Also called: INTELLECTUAL DISABILITY WITH SEIZURES, ABNORMAL GAIT, AND DISTINCTIVE FACIAL FEATURES; WDR26-Related Intellectual Disability. Identifiers: Orphanet 513456, MedGen C4539927, MONDO:0054636, OMIM 617616.

Submission:

Laboratorio de Genetica e Diagnostico Molecular, Hospital Israelita Albert Einstein
Classification: Likely pathogenic for Skraban-Deardorff syndrome. Last evaluated: 2022-09-15. Review status: criteria provided, single submitter. Criteria: ACMG Guidelines, 2015. Collection method: clinical testing. Allele origin: germline. Affected: yes. Observed: 1 variant allele.
Comment: ACMG classification criteria: PVS1 very strong, PM2 moderated